The following is an entry in ClinVar:

NM_005732.4(RAD50):c.3863G>C (p.Arg1288Thr)

Genes: TH2LCRR (T helper type 2 locus control region associated RNA; minus strand), RAD50 (RAD50 double strand break repair protein; plus strand). Cytogenetic location: 5q31.1.
Variant type: single nucleotide variant.
Coding change: c.3863G>C on transcript NM_005732.4 (MANE Select); coding-DNA position 3863, G replaced by C.
Protein change: p.Arg1288Thr; replaces arginine 1288 with threonine.
Molecular consequence: missense variant.
Genome position (GRCh38, 1-based): chr5:132,642,288, G>C. VCF-style: chr5-132642288-G-C. GRCh37 (hg19) VCF-style: chr5-131977980-G-C.
Other names: c.3863G>C (NM_005732.3); short protein forms R1288T.
Identifiers: ClinVar variation 1432184 (VCV001432184.10), dbSNP rs202098299, ClinGen allele CA127238421.

ClinVar aggregate classification (germline): Uncertain significance. Review status: criteria provided, multiple submitters, no conflicts (2 of 4 stars). 3 submissions from 3 submitters: Uncertain significance (3). Last evaluated 2023-01-07.

Conditions:
Nijmegen breakage syndrome-like disorder (NBSLD). Also called: MICROCEPHALY AND SPONTANEOUS CHROMOSOME INSTABILITY WITHOUT IMMUNODEFICIENCY; NBS-LIKE DISORDER; RAD50 DEFICIENCY. Identifiers: Orphanet 240760, MedGen C2751318, MONDO:0013118, OMIM 613078.
Hereditary cancer-predisposing syndrome. Also called: Hereditary Cancer Syndrome; Hereditary neoplastic syndrome; Neoplastic Syndromes, Hereditary; Tumor predisposition. Identifiers: Orphanet 140162, MedGen C0027672, MeSH D009386, MONDO:0015356.

Allele frequency attached by ClinVar (database versions not stated): gnomAD exomes below 0.00001; TOPMed below 0.00001; gnomAD 0.00001.
gnomAD v4.1: 2 of 1,613,856 alleles (0.00012%); highest among the groups gnomAD compares: South Asian, 0.0022%; no homozygotes.

Submissions (3):

Ambry Genetics
Classification: Uncertain significance for Hereditary cancer-predisposing syndrome. Last evaluated: 2023-01-07. Review status: criteria provided, single submitter. Criteria: Ambry Variant Classification Scheme 2023. Collection method: clinical testing. Allele origin: germline.
Comment: The p.R1288T variant (also known as c.3863G>C), located in coding exon 25 of the RAD50 gene, results from a G to C substitution at nucleotide position 3863. The arginine at codon 1288 is replaced by threonine, an amino acid with similar properties. This amino acid position is conserved. In addition, this alteration is predicted to be deleterious by in silico analysis. Since supporting evidence is limited at this time, the clinical significance of this alteration remains unclear.

Labcorp Genetics (formerly Invitae), Labcorp
Classification: Uncertain significance for Hereditary cancer-predisposing syndrome. Last evaluated: 2022-09-23. Review status: criteria provided, single submitter. Criteria: Invitae Variant Classification Sherloc (09022015). Collection method: clinical testing. Allele origin: germline.
Comment: This variant is not present in population databases (gnomAD no frequency). This sequence change replaces arginine, which is basic and polar, with threonine, which is neutral and polar, at codon 1288 of the RAD50 protein (p.Arg1288Thr). This variant has not been reported in the literature in individuals affected with RAD50-related conditions. In summary, the available evidence is currently insufficient to determine the role of this variant in disease. Therefore, it has been classified as a Variant of Uncertain Significance. Advanced modeling of protein sequence and biophysical properties (such as structural, functional, and spatial information, amino acid conservation, physicochemical variation, residue mobility, and thermodynamic stability) performed at Invitae indicates that this missense variant is expected to disrupt RAD50 protein function. ClinVar contains an entry for this variant (Variation ID: 1432184).

Neuberg Centre For Genomic Medicine, NCGM
Classification: Uncertain significance for Nijmegen breakage syndrome-like disorder. Review status: criteria provided, single submitter. Criteria: ACMG Guidelines, 2015. Collection method: clinical testing. Allele origin: germline. Inheritance: Autosomal recessive inheritance. Affected: yes.
Comment: The c.3863G>C (p.Arg1288Thr) missense variant in RAD50 gene has not been reported previously as a pathogenic variant nor as a benign variant, to our knowledge. The p.Asn541Asp variant is novel (not in any individuals) in gnomAD Exomes and 1000 Genomes. The amino acid Arg at position 1288 is changed to a Thr changing protein sequence and it might alter its composition and physico-chemical properties. The amino acid change p.Arg1288Thr in RAD50 is predicted as conserved by GERP++ and PhyloP across 100 vertebrates. For these reasons, this variant has been classified as Variant of Uncertain Significance (VUS). The above variant is present in heterozygous state and hence the molecular diagnosis is not confirmed.